The following is an entry in ClinVar:

ClinVar aggregate classification (germline): Likely pathogenic. Review status: criteria provided, single submitter (1 of 4 stars). 2 submissions from 2 submitters: Likely pathogenic (1). 1 of the submissions does not count toward it. Last evaluated 2026-02-26.

Conditions:
Lissencephaly. Also called: Lissencephaly spectrum disorders. Identifiers: Orphanet 48471, MedGen C0266463, MeSH D054082, MONDO:0018838, HP:0001339.

Submissions (2):

GeneDx
Classification: Likely pathogenic. Last evaluated: 2026-02-26. Review status: criteria provided, single submitter. Criteria: GeneDx Variant Classification Process June 2021. Collection method: clinical testing. Allele origin: germline.
Comment: Not observed at significant frequency in large population cohorts (gnomAD); In silico analysis supports that this missense variant has a deleterious effect on protein structure/function; This variant is associated with the following publications: (PMID: 38919239, 33728335, 29706637, 29671837)

University of Washington Center for Mendelian Genomics, University of Washington
Classification: Likely pathogenic for lissencephaly. Review status: no assertion criteria provided. Collection method: research. Allele origin: de novo. Affected: yes. Not counted in ClinVar's aggregate classification.

Literature cited by the submitters: PubMed 29671837 (cited by University of Washington Center for Mendelian Genomics, University of Washington).

NM_001070.5(TUBG1):c.769A>T (p.Ile257Phe)

Gene: TUBG1 (tubulin gamma 1; plus strand). Cytogenetic location: 17q21.2.
Variant type: single nucleotide variant.
Coding change: c.769A>T on transcript NM_001070.5 (MANE Select); coding-DNA position 769, A replaced by T.
Protein change: p.Ile257Phe; replaces isoleucine 257 with phenylalanine.
Molecular consequence: missense variant.
Genome position (GRCh38, 1-based): chr17:42,613,924, A>T. VCF-style: chr17-42613924-A-T. GRCh37 (hg19) VCF-style: chr17-40765942-A-T.
Other names: short protein forms I257F.
Identifiers: ClinVar variation 996662 (VCV000996662.2), dbSNP rs770355511, ClinGen allele CA399626766.